The following is an entry in ClinVar:

NM_001733.7(C1R):c.611A>G (p.Tyr204Cys)

Gene: C1R (complement C1r; minus strand). Cytogenetic location: 12p13.31.
Variant type: single nucleotide variant.
Coding change: c.611A>G on transcript NM_001733.7 (MANE Select); coding-DNA position 611, A replaced by G.
Protein change: p.Tyr204Cys; replaces tyrosine 204 with cysteine.
Molecular consequence: missense variant.
Genome position (GRCh38, 1-based): chr12:7,089,450, T>C on the plus strand (A>G on the coding strand, the complement: C1R is on the minus strand). VCF-style: chr12-7089450-T-C. GRCh37 (hg19) VCF-style: chr12-7242046-T-C.
Other names: c.653A>G, p.Tyr218Cys (NM_001354346.2); short protein forms Y204C, Y218C.
Identifiers: ClinVar variation 3768577 (VCV003768577.1).
Genomic context (GRCh38, chr12:7,089,450, plus strand): 5'-ATGCTGTAGTTGCAGCGCAGGTCAGGGGGGTAGGACCGAGGGTACTCCAGGCTGGAGATG[T>C]AGCCTGATGCCTCCGTGTACAGCTCGCTGCTGCACTCAGCTGTGAGAGCAGAGCCACAGG-3'
Protein context (NP_001724.4, residues 194-214): SSELYTEASG[Tyr204Cys]ISSLEYPRSY

ClinVar aggregate classification (germline): Likely benign (1 of 4 stars; one submission).

gnomAD v4.1: 65 of 778,314 alleles (0.0084%); highest among the groups gnomAD compares: African/African-American, 0.1%; no homozygotes.

Submission:

Women's Health and Genetics/Laboratory Corporation of America, LabCorp
Classification: Likely benign. Last evaluated: 2025-02-12. Review status: criteria provided, single submitter. Criteria: LabCorp Variant Classification Summary - May 2015. Collection method: clinical testing. Allele origin: germline.
Comment: Variant summary: C1R c.611A>G (p.Tyr204Cys) results in a non-conservative amino acid change located in the second CUB domain (IPR000859) of the encoded protein sequence. Three of five in-silico tools predict a damaging effect of the variant on protein function. The variant allele was found at a frequency of 8.4e-05 in 772974 control chromosomes, predominantly at a frequency of 0.001 within the African or African-American subpopulation in the gnomAD database (v4.1 dataset). The observed variant frequency within African or African-American control individuals in the gnomAD database is approximately 1000-fold of the estimated maximal expected allele frequency for a pathogenic variant in C1R causing Ehlers-Danlos syndrome, periodontal type 1 phenotype (1e-06). To our knowledge, no occurrence of c.611A>G in individuals affected with Ehlers-Danlos syndrome, periodontal type 1 and no experimental evidence demonstrating its impact on protein function have been reported. No submitters have cited clinical-significance assessments for this variant to ClinVar. Based on the evidence outlined above, the variant was classified as likely benign.